The following is an entry in ClinVar:

NM_001408.3(CELSR2):c.5974G>A (p.Gly1992Arg)

Gene: CELSR2 (cadherin EGF LAG seven-pass G-type receptor 2; plus strand). Cytogenetic location: 1p13.3.
Variant type: single nucleotide variant.
Coding change: c.5974G>A on transcript NM_001408.3 (MANE Select); coding-DNA position 5974, G replaced by A.
Protein change: p.Gly1992Arg; replaces glycine 1992 with arginine.
Molecular consequence: missense variant.
Genome position (GRCh38, 1-based): chr1:109,266,167, G>A. VCF-style: chr1-109266167-G-A. GRCh37 (hg19) VCF-style: chr1-109808789-G-A.
Other names: c.5974G>A (NM_001408.2); short protein forms G1992R.
Identifiers: ClinVar variation 2060174 (VCV002060174.7), dbSNP rs12567377, ClinGen allele CA987714.

ClinVar aggregate classification (germline): Uncertain significance. Review status: criteria provided, single submitter (1 of 4 stars). 2 submissions from 2 submitters: Uncertain significance (1). 1 of the submissions does not count toward it. Last evaluated 2022-08-06.

Conditions:
CELSR2-related disorder. Also called: CELSR2-related condition.

Allele frequency attached by ClinVar (database versions not stated): 1000 Genomes Project 30x 0.00031; 1000 Genomes Project 0.00040; ESP Exome Variant Server 0.00092; gnomAD 0.00068; TOPMed 0.00059; ExAC 0.00073.

Submissions (3):

Labcorp Genetics (formerly Invitae), Labcorp
Classification: Uncertain significance. Last evaluated: 2022-08-06. Review status: criteria provided, single submitter. Criteria: Invitae Variant Classification Sherloc (09022015). Collection method: clinical testing. Allele origin: germline.
Comment: This sequence change replaces glycine, which is neutral and non-polar, with arginine, which is basic and polar, at codon 1992 of the CELSR2 protein (p.Gly1992Arg). This variant is present in population databases (rs12567377, gnomAD 0.2%), and has an allele count higher than expected for a pathogenic variant. In summary, the available evidence is currently insufficient to determine the role of this variant in disease. Therefore, it has been classified as a Variant of Uncertain Significance. Algorithms developed to predict the effect of sequence changes on RNA splicing suggest that this variant may create or strengthen a splice site. Algorithms developed to predict the effect of missense changes on protein structure and function (SIFT, PolyPhen-2, Align-GVGD) all suggest that this variant is likely to be disruptive. This variant has not been reported in the literature in individuals affected with CELSR2-related conditions.

PreventionGenetics, part of Exact Sciences
Classification: Likely benign for CELSR2-related condition. Last evaluated: 2022-03-16. Review status: no assertion criteria provided. Collection method: clinical testing. Allele origin: germline. Not counted in ClinVar's aggregate classification.
Comment: This variant is classified as likely benign based on ACMG/AMP sequence variant interpretation guidelines (Richards et al. 2015 PMID: 25741868, with internal and published modifications).

Dr. Peter K. Rogan Lab, Western University
No classification provided (evidence only). Condition: Ovarian serous cystadenocarcinoma. Review status: no classification provided. Collection method: in vitro. Allele origin: not applicable. Functional consequence: retained intron. Not counted in ClinVar's aggregate classification.